The following is an entry in ClinVar:

NM_006231.4(POLE):c.3674C>T (p.Ala1225Val)

Gene: POLE (DNA polymerase epsilon, catalytic subunit; minus strand). Cytogenetic location: 12q24.33.
Variant type: single nucleotide variant.
Coding change: c.3674C>T on transcript NM_006231.4 (MANE Select); coding-DNA position 3674, C replaced by T.
Protein change: p.Ala1225Val; replaces alanine 1225 with valine.
Molecular consequence: missense variant.
Genome position (GRCh38, 1-based): chr12:132,649,798, G>A on the plus strand (C>T on the coding strand, the complement: POLE is on the minus strand). VCF-style: chr12-132649798-G-A. GRCh37 (hg19) VCF-style: chr12-133226384-G-A.
Other names: short protein forms A1225V.
Identifiers: ClinVar variation 960999 (VCV000960999.11), dbSNP rs761495946, ClinGen allele CA6893144.

ClinVar aggregate classification (germline): Uncertain significance. Review status: criteria provided, multiple submitters, no conflicts (2 of 4 stars). 2 submissions from 2 submitters: Uncertain significance (2). Last evaluated 2024-02-12.

Allele frequency attached by ClinVar (database versions not stated): gnomAD exomes below 0.00001; ExAC 0.00001.
gnomAD v4.1: 1 of 1,614,198 alleles (0.000062%); highest among the groups gnomAD compares: Admixed American, 0.0017%; no homozygotes.

Submissions (2):

Labcorp Genetics (formerly Invitae), Labcorp
Classification: Uncertain significance. Last evaluated: 2024-02-12. Review status: criteria provided, single submitter. Criteria: Invitae Variant Classification Sherloc (09022015). Collection method: clinical testing. Allele origin: germline.
Comment: This sequence change replaces alanine, which is neutral and non-polar, with valine, which is neutral and non-polar, at codon 1225 of the POLE protein (p.Ala1225Val). This variant is present in population databases (rs761495946, gnomAD 0.003%). This variant has not been reported in the literature in individuals affected with POLE-related conditions. ClinVar contains an entry for this variant (Variation ID: 960999). Advanced modeling of protein sequence and biophysical properties (such as structural, functional, and spatial information, amino acid conservation, physicochemical variation, residue mobility, and thermodynamic stability) performed at Invitae indicates that this missense variant is not expected to disrupt POLE protein function with a negative predictive value of 80%. In summary, the available evidence is currently insufficient to determine the role of this variant in disease. Therefore, it has been classified as a Variant of Uncertain Significance.

GeneDx
Classification: Uncertain significance. Last evaluated: 2022-04-13. Review status: criteria provided, single submitter. Criteria: GeneDx Variant Classification Process June 2021. Collection method: clinical testing. Allele origin: germline. Affected: yes.
Comment: Not observed at significant frequency in large population cohorts (gnomAD); In silico analysis supports that this missense variant does not alter protein structure/function; Has not been previously published as pathogenic or benign to our knowledge